The following is an entry in ClinVar:

NM_021813.4(BACH2):c.1430C>T (p.Ser477Leu)

Gene: BACH2 (BACH transcriptional regulator 2; minus strand). Cytogenetic location: 6q15.
Variant type: single nucleotide variant.
Coding change: c.1430C>T on transcript NM_021813.4 (MANE Select); coding-DNA position 1430, C replaced by T.
Protein change: p.Ser477Leu; replaces serine 477 with leucine.
Molecular consequence: missense variant.
Genome position (GRCh38, 1-based): chr6:89,950,676, G>A on the plus strand (C>T on the coding strand, the complement: BACH2 is on the minus strand). VCF-style: chr6-89950676-G-A. GRCh37 (hg19) VCF-style: chr6-90660395-G-A.
Other names: c.1430C>T, p.Ser477Leu (NM_001170794.2); short protein forms S477L.
Identifiers: ClinVar variation 2419687 (VCV002419687.6), dbSNP rs761051258, ClinGen allele CA3927987.
Genomic context (GRCh38, chr6:89,950,676, plus strand): 5'-TTGGGCCGCATCCTTCCTGGCAAGTGGTCGGCCATCAGCCCACCGTGGGAGTAGGCCTGC[G>A]AGCTGGGGAGGGACTGGCCGGCTCCCACCCACAGACCCTTTGGCACCGGCTCAGAGAGGT-3'
Protein context (NP_068585.1, residues 467-487): WVGAGQSLPS[Ser477Leu]QAYSHGGLMA

ClinVar aggregate classification (germline): Uncertain significance (1 of 4 stars; one submission).

Allele frequency attached by ClinVar (database versions not stated): gnomAD exomes below 0.00001; ExAC 0.00001.
gnomAD v4.1: 8 of 1,614,168 alleles (0.0005%); highest among the groups gnomAD compares: Non-Finnish European, 0.00059%; no homozygotes.

Submission:

Labcorp Genetics (formerly Invitae), Labcorp
Classification: Uncertain significance. Last evaluated: 2024-01-05. Review status: criteria provided, single submitter. Criteria: Invitae Variant Classification Sherloc (09022015). Collection method: clinical testing. Allele origin: germline.
Comment: This sequence change replaces serine, which is neutral and polar, with leucine, which is neutral and non-polar, at codon 477 of the BACH2 protein (p.Ser477Leu). This variant is present in population databases (rs761051258, gnomAD 0.006%). This variant has not been reported in the literature in individuals affected with BACH2-related conditions. ClinVar contains an entry for this variant (Variation ID: 2419687). Advanced modeling of protein sequence and biophysical properties (such as structural, functional, and spatial information, amino acid conservation, physicochemical variation, residue mobility, and thermodynamic stability) performed at Invitae indicates that this missense variant is not expected to disrupt BACH2 protein function with a negative predictive value of 80%. In summary, the available evidence is currently insufficient to determine the role of this variant in disease. Therefore, it has been classified as a Variant of Uncertain Significance.